The following is an entry in ClinVar:

NM_000439.5(PCSK1):c.934C>T (p.Arg312Cys)

Genes: CAST (calpastatin; plus strand), PCSK1 (proprotein convertase subtilisin/kexin type 1; minus strand), LOC101929710 (uncharacterized LOC101929710; plus strand). Cytogenetic location: 5q15.
Variant type: single nucleotide variant.
Coding change: c.934C>T on transcript NM_000439.5 (MANE Select); coding-DNA position 934, C replaced by T.
Protein change: p.Arg312Cys; replaces arginine 312 with cysteine.
Molecular consequence: missense variant. On other transcripts: intron variant (11).
Genome position (GRCh38, 1-based): chr5:96,410,935, G>A on the plus strand (C>T on the coding strand, the complement: PCSK1 is on the minus strand). VCF-style: chr5-96410935-G-A. GRCh37 (hg19) VCF-style: chr5-95746639-G-A.
Other names: c.-175+31283G>A (NM_001423251.1, NM_001423256.1, NM_001423252.1 and 6 more transcripts); c.-40+31283G>A (NM_001423258.1); c.793C>T, p.Arg265Cys (NM_001177875.2); c.-103+31283G>A (NM_001423253.1); short protein forms R265C, R312C.
Identifiers: ClinVar variation 3350329 (VCV003350329.1).

ClinVar aggregate classification (germline): Uncertain significance (0 of 4 stars; one submission).

Conditions:
PCSK1-related disorder. Also called: PCSK1-related condition.

gnomAD v4.1: 4 of 1,613,864 alleles (0.00025%); highest among the groups gnomAD compares: Non-Finnish European, 0.00025%; no homozygotes.

Submission:

PreventionGenetics, part of Exact Sciences
Classification: Uncertain significance for PCSK1-related condition. Last evaluated: 2024-05-11. Review status: no assertion criteria provided. Collection method: clinical testing. Allele origin: germline.
Comment: The PCSK1 c.934C>T variant is predicted to result in the amino acid substitution p.Arg312Cys. This variant has been reported in individuals with obesity (Kleinendorst et al 2018. PubMed ID: 29970488; Supplemental Data Set, Shah et al. 2023. PubMed ID: 36864747). In vitro experimental studies showed moderate evidence of loss of function (Supplemental Data Set, Shah et al. 2023. PubMed ID: 36864747; Folon et al. 2023. PubMed ID: 36822744). This variant is reported in 0.0046% of alleles in individuals of European (Finnish) descent in gnomAD. Although we suspect that this variant may be pathogenic, at this time, the clinical significance of this variant is uncertain due to the absence of conclusive functional and genetic evidence.